The following is an entry in ClinVar:

ClinVar aggregate classification (germline): Likely benign (1 of 4 stars; one submission).

Allele frequency attached by ClinVar (database versions not stated): ESP Exome Variant Server 0.00085; TOPMed 0.00096; gnomAD 0.00118; gnomAD exomes 0.00174; ExAC 0.00241; 1000 Genomes Project 30x 0.00250; 1000 Genomes Project 0.00260.
gnomAD v4.1: 2,737 of 1,612,732 alleles (0.17%); highest among the groups gnomAD compares: South Asian, 1%; 21 homozygotes.

Submission:

CeGaT Center for Human Genetics Tuebingen
Classification: Likely benign. Last evaluated: 2022-11-01. Review status: criteria provided, single submitter. Criteria: CeGaT Center For Human Genetics Tuebingen Variant Classification Criteria Version 2. Collection method: clinical testing. Allele origin: germline. Affected: yes. Observed: 2 variant alleles.
Comment: RPS11: BP4, BP7, BS2

NM_001015.5(RPS11):c.333A>T (p.Val111=)

Gene: RPS11 (ribosomal protein S11; plus strand). Cytogenetic location: 19q13.33.
Variant type: single nucleotide variant.
Coding change: c.333A>T on transcript NM_001015.5 (MANE Select); coding-DNA position 333, A replaced by T.
Protein change: p.Val111=; no amino-acid change (valine 111 retained).
Molecular consequence: synonymous variant.
Genome position (GRCh38, 1-based): chr19:49,498,026, A>T. VCF-style: chr19-49498026-A-T. GRCh37 (hg19) VCF-style: chr19-50001283-A-T.
Identifiers: ClinVar variation 2650249 (VCV002650249.24), dbSNP rs739346, ClinGen allele CA9575968.